The following is an entry in ClinVar:

ClinVar aggregate classification (germline): Likely pathogenic (1 of 4 stars; one submission).

Conditions:
Wilson disease (WND). Also called: Wilson's disease. Identifiers: Orphanet 905, MedGen C0019202, MONDO:0010200, OMIM 277900. Disease mechanism: loss of function.

Submission:

Natera, Inc.
Classification: Likely pathogenic for Wilson disease. Last evaluated: 2025-06-26. Review status: criteria provided, single submitter. Criteria: Natera Variant Classification Schema (03/2026). Collection method: clinical testing. Allele origin: germline.
Comment: The c.949del variant in ATP7B is a frameshift variant predicted to shift the reading frame beginning at codon 317 and leads to a stop codon 46 codons downstream. This variant is expected to result in nonsense mediated decay, truncation, or a dysfunctional protein product. This variant is rare in the general population with a frequency below the threshold expected for the associated phenotype(s). Given the available evidence, this variant is classified as Likely Pathogenic.

NM_000053.4(ATP7B):c.949del (p.Ala317fs)

Gene: ATP7B (ATPase copper transporting beta; minus strand). Cytogenetic location: 13q14.3.
Variant type: Deletion.
Coding change: c.949del on transcript NM_000053.4 (MANE Select); coding-DNA position 949, one base deleted (G; older notation c.949delG).
Protein change: p.Ala317fs; shifts the reading frame from alanine 317.
Molecular consequence: frameshift variant. On other transcripts: intron variant (2).
Genome position (GRCh38, 1-based): chr13:51,974,271, C deleted on the plus strand (G on the coding strand, the reverse complement: ATP7B is on the minus strand); the first of 2 consecutive C bases (chr13:51,974,271-51,974,272); deleting either gives the same sequence. VCF-style (leftmost placement, unchanged base first): chr13-51974270-GC-G. GRCh37 (hg19) VCF-style: chr13-52548406-GC-G.
Other names: c.949del, p.Ala317fs (NM_001406532.1, NM_001406534.1, NM_001406535.1 and 29 more transcripts); c.853del, p.Ala285fs (NM_001406536.1, NM_001406517.1, NM_001406518.1 and 3 more transcripts); c.802+147del (NM_001243182.2); c.706+147del (NM_001406539.1); short protein forms A285fs, A317fs.
Identifiers: ClinVar variation 4815642 (VCV004815642.1).